The following is an entry in ClinVar:

ClinVar aggregate classification (germline): Likely pathogenic (1 of 4 stars; one submission).

Submission:

Labcorp Genetics (formerly Invitae), Labcorp
Classification: Likely pathogenic. Last evaluated: 2023-08-21. Review status: criteria provided, single submitter. Criteria: Invitae Variant Classification Sherloc (09022015). Collection method: clinical testing. Allele origin: germline.
Comment: This variant has not been reported in the literature in individuals affected with LIFR-related conditions. ClinVar contains an entry for this variant (Variation ID: 2025160). Algorithms developed to predict the effect of sequence changes on RNA splicing suggest that this variant may disrupt the consensus splice site. In summary, the currently available evidence indicates that the variant is pathogenic, but additional data are needed to prove that conclusively. Therefore, this variant has been classified as Likely Pathogenic. This variant is not present in population databases (gnomAD no frequency). This sequence change affects an acceptor splice site in intron 6 of the LIFR gene. It is expected to disrupt RNA splicing. Variants that disrupt the donor or acceptor splice site typically lead to a loss of protein function (PMID: 16199547), and loss-of-function variants in LIFR are known to be pathogenic (PMID: 14740318).

Literature cited by the submitters: PubMed 16199547; PubMed 14740318.

NM_001127671.2(LIFR):c.737-2A>G

Gene: LIFR (LIF receptor subunit alpha; minus strand). Cytogenetic location: 5p13.1.
Variant type: single nucleotide variant.
Coding change: c.737-2A>G on transcript NM_001127671.2 (MANE Select); the canonical splice acceptor site of the intron before coding-DNA position 737, A replaced by G.
Molecular consequence: splice acceptor variant.
Genome position (GRCh38, 1-based): chr5:38,510,720, T>C on the plus strand (A>G on the coding strand, the complement: LIFR is on the minus strand). VCF-style: chr5-38510720-T-C. GRCh37 (hg19) VCF-style: chr5-38510822-T-C.
Other names: c.737-2A>G (NM_002310.6, NM_001364298.2, NM_001364297.2).
Identifiers: ClinVar variation 2025160 (VCV002025160.4), dbSNP rs2531066176, ClinGen allele CA359547400.